The following is an entry in ClinVar:

ClinVar aggregate classification (germline): Pathogenic/Likely pathogenic. Review status: criteria provided, multiple submitters, no conflicts (2 of 4 stars). 3 submissions from 3 submitters: Pathogenic (2); Likely pathogenic (1). Last evaluated 2025-05-13.

Conditions:
Mitochondrial complex IV deficiency, nuclear type 1 (MC4DN1). Also called: COX DEFICIENCY; Mitochondrial complex IV deficiency; Complex 4 mitochondrial respiratory chain deficiency; Deficiency of mitochondrial respiratory chain complex4; Complex IV deficiency. Identifiers: MedGen C5435656, MONDO:0700250, OMIM 220110. Disease mechanism: loss of function.
Charcot-Marie-Tooth disease type 4K. Also called: CHARCOT-MARIE-TOOTH DISEASE, DEMYELINATING, AUTOSOMAL RECESSIVE, TYPE 4K; CHARCOT-MARIE-TOOTH NEUROPATHY, DEMYELINATING, AUTOSOMAL RECESSIVE, TYPE 4K; CHARCOT-MARIE-TOOTH DISEASE, DEMYELINATING, TYPE 4K. Identifiers: Orphanet 391351, MedGen C4225246, MONDO:0014733, OMIM 616684.
Leigh syndrome (NULS). Also called: Leigh's syndrome; LEIGH SYNDROME, NUCLEAR; Leigh Syndrome (mtDNA deletion); Leigh's necrotizing encephalopathy; Leigh's disease; Leigh Disease. Identifiers: Orphanet 506, MedGen C2931891, MONDO:0009723, OMIM 256000.

gnomAD v4.1: 1 of 1,613,648 alleles (0.000062%); highest among the groups gnomAD compares: Non-Finnish European, 0.000085%; no homozygotes.

Submissions (3):

3billion
Classification: Pathogenic for Mitochondrial complex IV deficiency, nuclear type 1. Last evaluated: 2025-05-13. Review status: criteria provided, single submitter. Criteria: ACMG Guidelines, 2015. Collection method: clinical testing. Allele origin: germline. Affected: yes.
Comment: The variant is observed at an extremely low frequency in the gnomAD v4.1.0 dataset (total allele frequency: <0.001%). Predicted Consequence/Location: Canonical splice site: predicted to alter splicing and result in a loss or disruption of normal protein function. Multiple pathogenic loss-of-function variants are reported downstream of the variant. In silico tools predict the variant to alter splicing and produce an abnormal transcript [SpliceAI: 0.81 (spliceogenicity >=0.2, non-spliceogenicity <0.1)]. The variant has been reported to be associated with SURF1-related disorder (ClinVar ID: VCV002861529). Therefore, this variant is classified as Pathogenic according to the recommendation of ACMG/AMP guideline.

Labcorp Genetics (formerly Invitae), Labcorp
Classification: Pathogenic for Leigh syndrome. Last evaluated: 2023-05-02. Review status: criteria provided, single submitter. Criteria: Invitae Variant Classification Sherloc (09022015). Collection method: clinical testing. Allele origin: germline.
Comment: For these reasons, this variant has been classified as Pathogenic. Studies have shown that disruption of this splice site is associated with altered splicing resulting in unknown protein product impact (PMID: 11279059). Studies have shown that disruption of this splice site alters SURF1 gene expression (PMID: 11279059). Disruption of this splice site has been observed in individual(s) with Leigh syndrome and/or SMA-like presentation (PMID: 11279059, 18804471, 29715184, 31130284). In at least one individual the data is consistent with being in trans (on the opposite chromosome) from a pathogenic variant. This variant is not present in population databases (gnomAD no frequency). This sequence change affects a donor splice site in intron 6 of the SURF1 gene. It is expected to disrupt RNA splicing. Variants that disrupt the donor or acceptor splice site typically lead to a loss of protein function (PMID: 16199547), and loss-of-function variants in SURF1 are known to be pathogenic (PMID: 10443880, 22488715, 24027061).

Juno Genomics, Hangzhou Juno Genomics, Inc
Classification: Likely pathogenic for Charcot-Marie-Tooth disease type 4K; Mitochondrial complex IV deficiency, nuclear type 1. Review status: criteria provided, single submitter. Criteria: ACMG Guidelines, 2015. Collection method: clinical testing. Allele origin: germline.
Comment: Null variant in a gene where loss of function (LOF) is a known mechanism of disease.;Absent from controls (or at extremely low frequency if recessive) in Genome Aggregation Database.

Literature cited by the submitters: PubMed 11279059 (cited by Labcorp Genetics (formerly Invitae), Labcorp); PubMed 18804471 (cited by Labcorp Genetics (formerly Invitae), Labcorp); PubMed 29715184 (cited by Labcorp Genetics (formerly Invitae), Labcorp); PubMed 31130284 (cited by Labcorp Genetics (formerly Invitae), Labcorp); PubMed 16199547 (cited by Labcorp Genetics (formerly Invitae), Labcorp); PubMed 10443880 (cited by Labcorp Genetics (formerly Invitae), Labcorp); PubMed 22488715 (cited by Labcorp Genetics (formerly Invitae), Labcorp); PubMed 24027061 (cited by Labcorp Genetics (formerly Invitae), Labcorp).

NM_003172.4(SURF1):c.588+1G>C

Gene: SURF1 (SURF1 cytochrome c oxidase assembly factor; minus strand). Cytogenetic location: 9q34.2.
Variant type: single nucleotide variant.
Coding change: c.588+1G>C on transcript NM_003172.4 (MANE Select); the canonical splice donor site of the intron after coding-DNA position 588, G replaced by C.
Molecular consequence: splice donor variant.
Genome position (GRCh38, 1-based): chr9:133,352,693, C>G on the plus strand (G>C on the coding strand, the complement: SURF1 is on the minus strand). VCF-style: chr9-133352693-C-G. GRCh37 (hg19) VCF-style: chr9-136219548-C-G.
Other names: c.261+1G>C (NM_001280787.1).
Identifiers: ClinVar variation 2861529 (VCV002861529.6), dbSNP rs1219762677, ClinGen allele CA375693955.
Genomic context (GRCh38, chr9:133,352,693, plus strand): 5'-GCATGGAGCCTGGTGGACTCCCAGAGCCTTCTCTAAAGTAGGAAGAGTCCATGTCCCTTA[C>G]CTGGCCTTTCTGCCGGGTTTCAGGATTCACTTTCTTCCTGGGAACGAACCCTCTATTTAC-3'